The following is an entry in ClinVar:

ClinVar aggregate classification (germline): Uncertain significance (1 of 4 stars; one submission).

Conditions:
Baller-Gerold syndrome (BGS). Also called: CRANIOSYNOSTOSIS WITH RADIAL DEFECTS. Identifiers: Orphanet 1225, MedGen C0265308, MONDO:0009039, OMIM 218600.

Submission:

Labcorp Genetics (formerly Invitae), Labcorp
Classification: Uncertain significance for Baller-Gerold syndrome. Last evaluated: 2025-08-03. Review status: criteria provided, single submitter. Criteria: Invitae Variant Classification Sherloc (09022015). Collection method: clinical testing. Allele origin: germline.
Comment: This sequence change replaces glycine, which is neutral and non-polar, with cysteine, which is neutral and slightly polar, at codon 1118 of the RECQL4 protein (p.Gly1118Cys). This variant is not present in population databases (gnomAD no frequency). This variant has not been reported in the literature in individuals affected with RECQL4-related conditions. ClinVar contains an entry for this variant (Variation ID: 2712027). Experimental studies and prediction algorithms are not available or were not evaluated, and the functional significance of this variant is currently unknown. In summary, the available evidence is currently insufficient to determine the role of this variant in disease. Therefore, it has been classified as a Variant of Uncertain Significance.

NM_004260.4(RECQL4):c.3352G>T (p.Gly1118Cys)

Gene: RECQL4 (RecQ like helicase 4; minus strand). Cytogenetic location: 8q24.3.
Variant type: single nucleotide variant.
Coding change: c.3352G>T on transcript NM_004260.4 (MANE Select); coding-DNA position 3352, G replaced by T.
Protein change: p.Gly1118Cys; replaces glycine 1118 with cysteine.
Molecular consequence: missense variant. On other transcripts: non-coding transcript variant (3).
Genome position (GRCh38, 1-based): chr8:144,511,952, C>A on the plus strand (G>T on the coding strand, the complement: RECQL4 is on the minus strand). VCF-style: chr8-144511952-C-A. GRCh37 (hg19) VCF-style: chr8-145737335-C-A.
Other names: c.3058G>T, p.Gly1020Cys (NM_001413017.1); c.3154G>T, p.Gly1052Cys (NM_001413018.1); c.3427G>T, p.Gly1143Cys (NM_001413019.1); c.3256G>T, p.Gly1086Cys (NM_001413020.1); c.2281G>T, p.Gly761Cys (NM_001413021.1, NM_001413022.1, NM_001413024.1 and 4 more transcripts); c.2356G>T, p.Gly786Cys (NM_001413023.1); c.3223G>T, p.Gly1075Cys (NM_001413025.1); c.2215G>T, p.Gly739Cys (NM_001413027.1, NM_001413030.1, NM_001413032.1); and 9 more; short protein forms G1052C, G1075C, G1118C, G629C, G761C, G1074C, G717C, G764C.
Identifiers: ClinVar variation 2712027 (VCV002712027.3), dbSNP rs773909942, ClinGen allele CA372668358.